The following is an entry in ClinVar:

ClinVar aggregate classification (germline): Likely benign. Review status: criteria provided, multiple submitters, no conflicts (2 of 4 stars). 10 submissions from 10 submitters: Likely benign (10). Last evaluated 2026-09-21.

Conditions:
VCL-related disorder. Also called: VCL-related condition.
Cardiovascular phenotype. Identifiers: MedGen CN230736.
Hypertrophic cardiomyopathy 15. Identifiers: MedGen C2750459, MONDO:0013200, OMIM 613255.
Dilated cardiomyopathy 1W (CMD1W). Identifiers: Orphanet 154, MedGen C1969639, MONDO:0012667, OMIM 611407.
Cardiomyopathy (CMYO). Also called: Cardiomyopathies. Identifiers: Orphanet 167848, MedGen C0878544, MONDO:0004994, HP:0001638. Inheritance: Various modes of inheritance.

Allele frequency attached by ClinVar (database versions not stated): 1000 Genomes Project 0.00020; ExAC 0.00024; ESP Exome Variant Server 0.00023; TOPMed 0.00041; 1000 Genomes Project 30x 0.00016; gnomAD 0.00044 and 0.00043; gnomAD exomes 0.00059 and 0.00030.
gnomAD v4.1: 928 of 1,614,160 alleles (0.057%); highest among the groups gnomAD compares: Non-Finnish European, 0.073%; 2 homozygotes.

Submissions (10):

Molecular Diagnostic Laboratory for Inherited Cardiovascular Disease, Montreal Heart Institute
Classification: Likely benign. Last evaluated: 2026-09-21. Review status: criteria provided, single submitter. Criteria: ACMG Guidelines, 2015. Collection method: clinical testing. Allele origin: germline. Affected: no.
Comment: BS1, BP4

Labcorp Genetics (formerly Invitae), Labcorp
Classification: Likely benign for Dilated cardiomyopathy 1W. Last evaluated: 2026-01-28. Review status: criteria provided, single submitter. Criteria: Invitae Variant Classification Sherloc (09022015). Collection method: clinical testing. Allele origin: germline.

PreventionGenetics, part of Exact Sciences
Classification: Likely benign for VCL-related condition. Last evaluated: 2025-04-02. Review status: criteria provided, single submitter. Criteria: ACMG Guidelines, 2015. Collection method: clinical testing. Allele origin: germline.
Comment: This variant is classified as likely benign based on ACMG/AMP sequence variant interpretation guidelines (Richards et al. 2015 PMID: 25741868, with internal and published modifications).

Blueprint Genetics
Classification: Likely benign. Last evaluated: 2024-09-20. Review status: criteria provided, single submitter. Criteria: ACMG Guidelines, 2015. Collection method: clinical testing. Allele origin: germline.

CHEO Genetics Diagnostic Laboratory, Children's Hospital of Eastern Ontario
Classification: Likely benign for Cardiomyopathy. Last evaluated: 2023-04-19. Review status: criteria provided, single submitter. Criteria: ACMG Guidelines, 2015. Collection method: clinical testing. Allele origin: germline.

GeneDx
Classification: Likely benign. Last evaluated: 2021-09-21. Review status: criteria provided, single submitter. Criteria: GeneDx Variant Classification Process June 2021. Collection method: clinical testing. Allele origin: germline. Affected: yes.
Comment: This variant is associated with the following publications: (PMID: 30847666, 26406308, 28750076, 28771489, 28087426, 24503780, 23861362)

Fulgent Genetics
Classification: Likely benign for Dilated cardiomyopathy 1W; Hypertrophic cardiomyopathy 15. Last evaluated: 2021-07-29. Review status: criteria provided, single submitter. Criteria: ACMG Guidelines, 2015. Collection method: clinical testing. Allele origin: unknown.

Ambry Genetics
Classification: Likely benign for Cardiovascular phenotype. Last evaluated: 2018-10-04. Review status: criteria provided, single submitter. Criteria: Ambry Variant Classification Scheme 2023. Collection method: clinical testing. Allele origin: germline.

Laboratory for Molecular Medicine, Mass General Brigham Personalized Medicine
Classification: Likely benign. Last evaluated: 2014-12-29. Review status: criteria provided, single submitter. Criteria: LMM Criteria. Collection method: clinical testing. Allele origin: germline. Observed: 2 variant alleles.
Comment: p.Ala413Thr in exon 10 of VCL: This variant is not expected to have clinical sig nificance due to a lack of conservation across species, including mammals. Of no te, 5 mammals (Guinea pig, ferret, shrew, tenrec, and Tasmanian devil) and 4 oth er evolutionary distinct species have a threonine (Thr) at this position despite high nearby amino acid conservation. This variant has been identified in 26/676 94 European chromosomes by the Exome Aggregation Consortium (ExAC; dbSNP rs146278697).

Biesecker Lab/Clinical Genomics Section, National Institutes of Health
Classification: Likely benign. Last evaluated: 2013-06-24. Review status: criteria provided, single submitter. Criteria: Ng et al. (Circ Cardiovasc Genet. 2013). Collection method: research. Allele origin: unknown. Observed: 3 variant alleles. Study: ClinSeq.
Comment: The study set was not selected for affection status in relation to any cancer. Pathogenicity categories were based on literature curation. See Pubmed ID:23861362 for details.

Medical sequencing

Literature cited by the submitters: PubMed 23861362 (cited by Ambry Genetics); PubMed 24503780 (cited by Ambry Genetics); PubMed 25351510 (cited by Ambry Genetics); PubMed 28087426 (cited by Ambry Genetics).

NM_014000.3(VCL):c.1237G>A (p.Ala413Thr)

Gene: VCL (vinculin; plus strand). Cytogenetic location: 10q22.2.
Variant type: single nucleotide variant.
Coding change: c.1237G>A on transcript NM_014000.3 (MANE Select); coding-DNA position 1237, G replaced by A.
Protein change: p.Ala413Thr; replaces alanine 413 with threonine.
Molecular consequence: missense variant.
Genome position (GRCh38, 1-based): chr10:74,090,083, G>A. VCF-style: chr10-74090083-G-A. GRCh37 (hg19) VCF-style: chr10-75849841-G-A.
Other names: p.A413T:GCT>ACT; c.1237G>A, p.Ala413Thr (NM_003373.4); short protein forms A413T.
Identifiers: ClinVar variation 45575 (VCV000045575.27), dbSNP rs146278697, ClinGen allele CA136682.